The following is an entry in ClinVar:

NM_001165963.4(SCN1A):c.964+12_964+15del

Gene: SCN1A (sodium voltage-gated channel alpha subunit 1; minus strand). Cytogenetic location: 2q24.3.
Variant type: Deletion.
Coding change: c.964+12_964+15del on transcript NM_001165963.4 (MANE Select); bases 12 to 15 of the intron after coding-DNA position 964, 4 bases deleted (TGTT; older notation c.964+12_964+15delTGTT).
Molecular consequence: intron variant.
Genome position (GRCh38, 1-based): chr2:166,051,704-166,051,707, AACA deleted on the plus strand (TGTT on the coding strand, the reverse complement: SCN1A is on the minus strand); deleting any 4 consecutive bases within chr2:166,051,704-166,051,708 gives the same sequence; the c. name uses the placement nearest the transcript's 3' end. VCF-style (leftmost placement, unchanged base first): chr2-166051703-TAACA-T. GRCh37 (hg19) VCF-style: chr2-166908213-TAACA-T.
Other names: c.964+12_964+15del (NM_001353949.2, NM_001353958.2, NM_001353950.2 and 10 more transcripts); c.-1462+12_-1462+15del (NM_001353961.2).
Identifiers: ClinVar variation 2573460 (VCV002573460.2), dbSNP rs765728700, ClinGen allele CA1943413.

ClinVar aggregate classification (germline): Conflicting classifications of pathogenicity. Review status: criteria provided, conflicting classifications (1 of 4 stars). 2 submissions from 2 submitters: Uncertain significance (1); Likely benign (1). Last evaluated 2025-11-01.

Conditions:
Early-infantile DEE. Also called: Early infantile epileptic encephalopathy; Ohtahara syndrome; Early infantile epileptic encephalopathy with suppression bursts. Identifiers: Orphanet 1934, MedGen C0393706, MONDO:0800491.

Submissions (2):

Labcorp Genetics (formerly Invitae), Labcorp
Classification: Likely benign for Early-infantile DEE. Last evaluated: 2025-11-01. Review status: criteria provided, single submitter. Criteria: Invitae Variant Classification Sherloc (09022015). Collection method: clinical testing. Allele origin: germline.

Women's Health and Genetics/Laboratory Corporation of America, LabCorp
Classification: Uncertain significance. Last evaluated: 2023-06-22. Review status: criteria provided, single submitter. Criteria: LabCorp Variant Classification Summary - May 2015. Collection method: clinical testing. Allele origin: germline.
Comment: Variant summary: SCN1A c.964+12_964+15delTGTT alters a nucleotide located close to a canonical splice site and therefore could affect mRNA splicing, leading to a significantly altered protein sequence. 4/4 computational tools predict no significant impact on normal splicing. However, these predictions have yet to be confirmed by functional studies. The variant allele was found at a frequency of 4.2e-06 in 238898 control chromosomes. The available data on variant occurrences in the general population are insufficient to allow any conclusion about variant significance. To our knowledge, no occurrence of c.964+12_964+15delTGTT in individuals affected with SCN1A-Related Seizure Disorder and no experimental evidence demonstrating its impact on protein function have been reported. No submitters have cited clinical-significance assessments for this variant to ClinVar after 2014. Based on the evidence outlined above, the variant was classified as uncertain significance.